The following is an entry in ClinVar:

NM_001379286.1(ZNF423):c.3019A>G (p.Ser1007Gly)

Gene: ZNF423 (zinc finger protein 423; minus strand). Cytogenetic location: 16q12.1.
Variant type: single nucleotide variant.
Coding change: c.3019A>G on transcript NM_001379286.1 (MANE Select); coding-DNA position 3019, A replaced by G.
Protein change: p.Ser1007Gly; replaces serine 1007 with glycine.
Molecular consequence: missense variant.
Genome position (GRCh38, 1-based): chr16:49,636,157, T>C on the plus strand (A>G on the coding strand, the complement: ZNF423 is on the minus strand). VCF-style: chr16-49636157-T-C. GRCh37 (hg19) VCF-style: chr16-49670068-T-C.
Other names: c.2815A>G, p.Ser939Gly (NM_001271620.2); c.2644A>G, p.Ser882Gly (NM_001330533.2); c.2995A>G, p.Ser999Gly (NM_015069.5); short protein forms S1007G, S999G, S882G, S939G.
Identifiers: ClinVar variation 1368541 (VCV001368541.8), dbSNP rs2151881740, ClinGen allele CA395840876.

ClinVar aggregate classification (germline): Uncertain significance (1 of 4 stars; one submission).

Conditions:
Nephronophthisis 14 (NPHP14). Identifiers: Orphanet 2318, MedGen C3539071, MONDO:0013916, OMIM 614844.

Submission:

Labcorp Genetics (formerly Invitae), Labcorp
Classification: Uncertain significance for Nephronophthisis 14. Last evaluated: 2021-07-19. Review status: criteria provided, single submitter. Criteria: Invitae Variant Classification Sherloc (09022015). Collection method: clinical testing. Allele origin: germline.
Comment: Algorithms developed to predict the effect of missense changes on protein structure and function are either unavailable or do not agree on the potential impact of this missense change (SIFT: "Tolerated"; PolyPhen-2: "Possibly Damaging"; Align-GVGD: "Class C0"). This sequence change replaces serine with glycine at codon 999 of the ZNF423 protein (p.Ser999Gly). The serine residue is highly conserved and there is a small physicochemical difference between serine and glycine. This variant is not present in population databases (ExAC no frequency). This variant has not been reported in the literature in individuals affected with ZNF423-related conditions. In summary, the available evidence is currently insufficient to determine the role of this variant in disease. Therefore, it has been classified as a Variant of Uncertain Significance.